The following is an entry in ClinVar:

ClinVar aggregate classification (germline): Uncertain significance (1 of 4 stars; one submission).

Conditions:
Noonan syndrome 9 (NS9). Identifiers: Orphanet 648, MedGen C4225282, MONDO:0014691, OMIM 616559.

Allele frequency attached by ClinVar (database versions not stated): gnomAD exomes 0.00037 and 0.00033; gnomAD 0.00004 and 0.00003.
gnomAD v4.1: 353 of 1,179,584 alleles (0.03%); highest among the groups gnomAD compares: South Asian, 0.18%; no homozygotes.

Submission:

Labcorp Genetics (formerly Invitae), Labcorp
Classification: Uncertain significance for Noonan syndrome 9. Last evaluated: 2025-10-03. Review status: criteria provided, single submitter. Criteria: Invitae Variant Classification Sherloc (09022015). Collection method: clinical testing. Allele origin: germline.
Comment: This sequence change falls in intron 22 of the SOS2 gene. It does not directly change the encoded amino acid sequence of the SOS2 protein. It affects a nucleotide within the consensus splice site. The frequency data for this variant in the population databases is considered unreliable, as metrics indicate poor data quality at this position in the gnomAD database. This variant has not been reported in the literature in individuals affected with SOS2-related conditions. ClinVar contains an entry for this variant (Variation ID: 1389473). Variants that disrupt the consensus splice site are a relatively common cause of aberrant splicing (PMID: 17576681, 9536098). Algorithms developed to predict the effect of sequence changes on RNA splicing suggest that this variant may create or strengthen a splice site. In summary, the available evidence is currently insufficient to determine the role of this variant in disease. Therefore, it has been classified as a Variant of Uncertain Significance.

Literature cited by the submitters: PubMed 17576681; PubMed 9536098.

NM_006939.4(SOS2):c.3490-3G>T

Gene: SOS2 (SOS Ras/Rho guanine nucleotide exchange factor 2; minus strand). Cytogenetic location: 14q21.3.
Variant type: single nucleotide variant.
Coding change: c.3490-3G>T on transcript NM_006939.4 (MANE Select); 3 bases into the intron before coding-DNA position 3490, G replaced by T.
Molecular consequence: intron variant.
Genome position (GRCh38, 1-based): chr14:50,118,856, C>A on the plus strand (G>T on the coding strand, the complement: SOS2 is on the minus strand). VCF-style: chr14-50118856-C-A. GRCh37 (hg19) VCF-style: chr14-50585574-C-A.
Identifiers: ClinVar variation 1389473 (VCV001389473.6), dbSNP rs1399710421, ClinGen allele CA613842224.